The following is an entry in ClinVar:

NM_005876.5(SPEG):c.461C>A (p.Ala154Asp)

Gene: SPEG (striated muscle enriched protein kinase; plus strand). Cytogenetic location: 2q35.
Variant type: single nucleotide variant.
Coding change: c.461C>A on transcript NM_005876.5 (MANE Select); coding-DNA position 461, C replaced by A.
Protein change: p.Ala154Asp; replaces alanine 154 with aspartic acid.
Molecular consequence: missense variant.
Genome position (GRCh38, 1-based): chr2:219,444,725, C>A. VCF-style: chr2-219444725-C-A. GRCh37 (hg19) VCF-style: chr2-220309447-C-A.
Other names: c.461C>A (NM_005876.4); short protein forms A154D.
Identifiers: ClinVar variation 1448845 (VCV001448845.5), dbSNP rs758102466, ClinGen allele CA2125489.
Genomic context (GRCh38, chr2:219,444,725, plus strand): 5'-CTGAGGATGACATCAGCGATGTGCAGGGAACCCAGCGCCTGGAGCTTCGGGATGACGGGG[C>A]CTTCAGCACCCCCACGGGTGAGCTCCTGGGGTGTACAAAGAGCAGGCAGGCGGGTTTTCC-3'
Protein context (NP_005867.3, residues 144-164): TQRLELRDDG[Ala154Asp]FSTPTGGSDT

ClinVar aggregate classification (germline): Uncertain significance. Review status: criteria provided, multiple submitters, no conflicts (2 of 4 stars). 3 submissions from 3 submitters: Uncertain significance (3). Last evaluated 2025-02-03.

Conditions:
Myopathy, centronuclear, 5 (CNM5). Identifiers: Orphanet 169186, MedGen C4014814, MONDO:0014418, OMIM 615959.
Inborn genetic diseases. Identifiers: MedGen C0950123, MeSH D030342.

Allele frequency attached by ClinVar (database versions not stated): ExAC 0.00004; 1000 Genomes Project 30x 0.00016.

Submissions (3):

Revvity Omics, Revvity
Classification: Uncertain significance for Myopathy, centronuclear, 5. Last evaluated: 2025-02-03. Review status: criteria provided, single submitter. Criteria: ACMG Guidelines, 2015. Collection method: clinical testing. Allele origin: germline.

Ambry Genetics
Classification: Uncertain significance for Inborn genetic diseases. Last evaluated: 2024-06-22. Review status: criteria provided, single submitter. Criteria: Ambry Variant Classification Scheme 2023. Collection method: clinical testing. Allele origin: germline.

Labcorp Genetics (formerly Invitae), Labcorp
Classification: Uncertain significance. Last evaluated: 2022-07-06. Review status: criteria provided, single submitter. Criteria: Invitae Variant Classification Sherloc (09022015). Collection method: clinical testing. Allele origin: germline.
Comment: This sequence change replaces alanine, which is neutral and non-polar, with aspartic acid, which is acidic and polar, at codon 154 of the SPEG protein (p.Ala154Asp). This variant is present in population databases (rs758102466, gnomAD 0.01%). This variant has not been reported in the literature in individuals affected with SPEG-related conditions. ClinVar contains an entry for this variant (Variation ID: 1448845). Algorithms developed to predict the effect of missense changes on protein structure and function output the following: SIFT: "Tolerated"; PolyPhen-2: "Benign"; Align-GVGD: "Class C0". The aspartic acid amino acid residue is found in multiple mammalian species, which suggests that this missense change does not adversely affect protein function. In summary, the available evidence is currently insufficient to determine the role of this variant in disease. Therefore, it has been classified as a Variant of Uncertain Significance.